The following is an entry in ClinVar:

ClinVar aggregate classification (germline): Uncertain significance. Review status: criteria provided, multiple submitters, no conflicts (2 of 4 stars). 2 submissions from 2 submitters: Uncertain significance (2). Last evaluated 2025-12-08.

Conditions:
Hypertrophic cardiomyopathy 19. Also called: Familial hypertrophic cardiomyopathy 19. Identifiers: MedGen CN077603, MONDO:0013476.

Submissions (2):

Ambry Genetics
Classification: Uncertain significance. Last evaluated: 2025-12-08. Review status: criteria provided, single submitter. Criteria: Ambry Variant Classification Scheme 2023. Collection method: clinical testing. Allele origin: germline.

Labcorp Genetics (formerly Invitae), Labcorp
Classification: Uncertain significance for Hypertrophic cardiomyopathy 19. Last evaluated: 2025-08-11. Review status: criteria provided, single submitter. Criteria: Invitae Variant Classification Sherloc (09022015). Collection method: clinical testing. Allele origin: germline.
Comment: This sequence change replaces alanine, which is neutral and non-polar, with valine, which is neutral and non-polar, at codon 348 of the CALR3 protein (p.Ala348Val). This variant is not present in population databases (gnomAD no frequency). This variant has not been reported in the literature in individuals affected with CALR3-related conditions. Invitae Evidence Modeling of protein sequence and biophysical properties (such as structural, functional, and spatial information, amino acid conservation, physicochemical variation, residue mobility, and thermodynamic stability) indicates that this missense variant is not expected to disrupt CALR3 protein function with a negative predictive value of 80%. In summary, the available evidence is currently insufficient to determine the role of this variant in disease. Therefore, it has been classified as a Variant of Uncertain Significance.

NM_145046.5(CALR3):c.1043C>T (p.Ala348Val)

Gene: CALR3 (calreticulin 3; minus strand). Cytogenetic location: 19p13.11.
Variant type: single nucleotide variant.
Coding change: c.1043C>T on transcript NM_145046.5 (MANE Select); coding-DNA position 1043, C replaced by T.
Protein change: p.Ala348Val; replaces alanine 348 with valine.
Molecular consequence: missense variant.
Genome position (GRCh38, 1-based): chr19:16,479,243, G>A on the plus strand (C>T on the coding strand, the complement: CALR3 is on the minus strand). VCF-style: chr19-16479243-G-A. GRCh37 (hg19) VCF-style: chr19-16590054-G-A.
Other names: short protein forms A348V.
Identifiers: ClinVar variation 4647853 (VCV004647853.2).